The following is an entry in ClinVar:

ClinVar aggregate classification (germline): Uncertain significance. Review status: criteria provided, multiple submitters, no conflicts (2 of 4 stars). 2 submissions from 2 submitters: Uncertain significance (2). Last evaluated 2025-11-24.

Conditions:
SPRY4-related disorder. Also called: SPRY4-related condition.

Submissions (2):

Ambry Genetics
Classification: Uncertain significance. Last evaluated: 2025-11-24. Review status: criteria provided, single submitter. Criteria: Ambry Variant Classification Scheme 2023. Collection method: clinical testing. Allele origin: germline.

PreventionGenetics, part of Exact Sciences
Classification: Uncertain significance for SPRY4-related condition. Last evaluated: 2025-08-19. Review status: criteria provided, single submitter. Criteria: ACMG Guidelines, 2015. Collection method: clinical testing. Allele origin: germline.
Comment: The SPRY4 c.2T>A variant is predicted to disrupt the translation initiation site (Start loss). An alternative start codon is located 16 amino acids downstream, and therefore the affect of this start loss on protein function is unknown. To our knowledge, this variant has not been reported in the literature or in a large population database (gnomAD), indicating this variant is rare. At this time, the clinical significance of this variant is uncertain due to the absence of conclusive functional and genetic evidence.

NM_001127496.3(SPRY4):c.2T>A (p.Met1Lys)

Gene: SPRY4 (sprouty RTK signaling antagonist 4; minus strand). Cytogenetic location: 5q31.3.
Variant type: single nucleotide variant.
Coding change: c.2T>A on transcript NM_001127496.3 (MANE Select); coding-DNA position 2, T replaced by A.
Protein change: p.Met1Lys; changes the start codon (methionine 1).
Molecular consequence: missense variant, initiator codon variant.
Genome position (GRCh38, 1-based): chr5:142,315,107, A>T on the plus strand (T>A on the coding strand, the complement: SPRY4 is on the minus strand). VCF-style: chr5-142315107-A-T. GRCh37 (hg19) VCF-style: chr5-141694672-A-T.
Other names: c.2T>A (NM_001293290.1); c.2T>A, p.Met1Lys (NM_001293289.3, NM_001293290.3); c.71T>A, p.Met24Lys (NM_030964.5); short protein forms M1K, M24K.
Identifiers: ClinVar variation 4589191 (VCV004589191.2).
Genomic context (GRCh38, chr5:142,315,107, plus strand): 5'-AGGGGCTGGACCATGACTGAGTTGGGAGTCAAGGGGGCGCTCTGTGGGATCGGGGGCTCC[A>T]TGGGGCTGGAGGTCCTGGACTGTACGGAGAAACAGGCTTCTAGGGGCCCTGGGGGTGGGG-3'
Protein context (NP_001120968.1, residues 1-11): [Met1Lys]EPPIPQSAPL